The following is an entry in ClinVar:

NM_000264.5(PTCH1):c.103C>T (p.Arg35Trp)

Genes: PTCH1 (patched 1; minus strand), LOC130002133 (ATAC-STARR-seq lymphoblastoid silent region 20071; plus strand). Cytogenetic location: 9q22.32.
Variant type: single nucleotide variant.
Coding change: c.103C>T on transcript NM_000264.5 (MANE Select); coding-DNA position 103, C replaced by T.
Protein change: p.Arg35Trp; replaces arginine 35 with tryptophan.
Molecular consequence: missense variant. On other transcripts: non-coding transcript variant (1), intron variant (3).
Genome position (GRCh38, 1-based): chr9:95,508,259, G>A on the plus strand (C>T on the coding strand, the complement: PTCH1 is on the minus strand). VCF-style: chr9-95508259-G-A. GRCh37 (hg19) VCF-style: chr9-98270541-G-A.
Other names: c.103C>T, p.Arg35Trp (NM_001354918.2); c.199-1660C>T (NM_001083603.3); c.4-1660C>T (NM_001083602.3, NM_001354919.2); short protein forms R35W.
Identifiers: ClinVar variation 964081 (VCV000964081.10), dbSNP rs1385550193, ClinGen allele CA374121421.
Genomic context (GRCh38, chr9:95,508,259, plus strand): 5'-AGCTGGGCCGGTGCAGATAGTCCCGGTCCGGCGCGGCAGCACGGCGCAGCCCCCCCGTCC[G>A]TCTGCGCCTCCCGCCTCCAGCCGGCCGTCCCGGGGCACCGATACAGCCGCTGCCGCCGCC-3'
Protein context (NP_000255.2, residues 25-45): GRPAGGGRRR[Arg35Trp]TGGLRRAAAP

ClinVar aggregate classification (germline): Conflicting classifications of pathogenicity. Review status: criteria provided, conflicting classifications (1 of 4 stars). 2 submissions from 2 submitters: Uncertain significance (1); Likely benign (1). Last evaluated 2024-09-19.

Conditions:
Hereditary cancer-predisposing syndrome. Also called: Hereditary neoplastic syndrome; Tumor predisposition; Neoplastic Syndromes, Hereditary; Hereditary Cancer Syndrome. Identifiers: Orphanet 140162, MedGen C0027672, MeSH D009386, MONDO:0015356.
Gorlin syndrome. Also called: Basal cell nevus syndrome; Nevoid Basal Cell Carcinoma Syndrome. Identifiers: Orphanet 377, MedGen C0004779, MONDO:0007187.

Allele frequency attached by ClinVar (database versions not stated): gnomAD exomes below 0.00001.
gnomAD v4.1: 2 of 1,591,698 alleles (0.00013%); highest among the groups gnomAD compares: Admixed American, 0.0017%; no homozygotes.

Submissions (2):

Ambry Genetics
Classification: Uncertain significance for Hereditary cancer-predisposing syndrome. Last evaluated: 2024-09-19. Review status: criteria provided, single submitter. Criteria: Ambry Variant Classification Scheme 2023. Collection method: clinical testing. Allele origin: germline.
Comment: The p.R35W variant (also known as c.103C>T), located in coding exon 1 of the PTCH1 gene, results from a C to T substitution at nucleotide position 103. The arginine at codon 35 is replaced by tryptophan, an amino acid with dissimilar properties. This amino acid position is not well conserved in available vertebrate species. In addition, this alteration is predicted to be tolerated by in silico analysis. Based on the available evidence, the clinical significance of this variant remains unclear.

Labcorp Genetics (formerly Invitae), Labcorp
Classification: Likely benign for Gorlin syndrome. Last evaluated: 2023-10-13. Review status: criteria provided, single submitter. Criteria: Invitae Variant Classification Sherloc (09022015). Collection method: clinical testing. Allele origin: germline.